The following is an entry in ClinVar:

NM_001114753.3(ENG):c.1517T>C (p.Leu506Pro)

Genes: ENG (endoglin; minus strand), LOC102723566 (uncharacterized LOC102723566; plus strand). Cytogenetic location: 9q34.11.
Variant type: single nucleotide variant.
Coding change: c.1517T>C on transcript NM_001114753.3 (MANE Select); coding-DNA position 1517, T replaced by C.
Protein change: p.Leu506Pro; replaces leucine 506 with proline.
Molecular consequence: missense variant.
Genome position (GRCh38, 1-based): chr9:127,818,289, A>G on the plus strand (T>C on the coding strand, the complement: ENG is on the minus strand). VCF-style: chr9-127818289-A-G. GRCh37 (hg19) VCF-style: chr9-130580568-A-G.
Other names: c.1517T>C, p.Leu506Pro (NM_000118.4); c.971T>C, p.Leu324Pro (NM_001278138.2); short protein forms L324P, L506P.
Identifiers: ClinVar variation 1774348 (VCV001774348.5), dbSNP rs778594104, ClinGen allele CA374975745.

ClinVar aggregate classification (germline): Pathogenic/Likely pathogenic. Review status: criteria provided, multiple submitters, no conflicts (2 of 4 stars). 3 submissions from 3 submitters: Pathogenic (1); Likely pathogenic (2). Last evaluated 2025-02-24.

Conditions:
Cardiovascular phenotype. Identifiers: MedGen CN230736.
Hereditary hemorrhagic telangiectasia (HHT). Also called: ORW DISEASE; Osler Weber Rendu syndrome; OSLER-RENDU-WEBER DISEASE; Osler hemorrhagic telangiectasia syndrome. Identifiers: Orphanet 774, MedGen C0039445, MONDO:0019180. Disease mechanism: loss of function.
Telangiectasia, hereditary hemorrhagic, type 1 (HHT1). Also called: Osler Weber Rendu syndrome type 1; ENG-Related Hereditary Hemorrhagic Telangiectasia. Identifiers: Orphanet 774, MedGen C4551861, MONDO:0008535, OMIM 187300. Disease mechanism: loss of function.

Submissions (3):

Impact Genetics, Dynacare/LabCorp
Classification: Likely pathogenic for Telangiectasia, hereditary hemorrhagic, type 1. Last evaluated: 2025-02-24. Review status: criteria provided, single submitter. Criteria: DeMille et al. (Hum Mutat. 2024). Collection method: clinical testing. Allele origin: germline.
Comment: PP3, PM2_supporting, PP1_moderate, PS4_moderate

Labcorp Genetics (formerly Invitae), Labcorp
Classification: Pathogenic for Hereditary hemorrhagic telangiectasia. Last evaluated: 2024-07-24. Review status: criteria provided, single submitter. Criteria: Invitae Variant Classification Sherloc (09022015). Collection method: clinical testing. Allele origin: germline.
Comment: This sequence change replaces leucine, which is neutral and non-polar, with proline, which is neutral and non-polar, at codon 506 of the ENG protein (p.Leu506Pro). This variant is not present in population databases (gnomAD no frequency). This missense change has been observed in individual(s) with hereditary hemorrhagic telangiectasia (PMID: 30073140). It has also been observed to segregate with disease in related individuals. ClinVar contains an entry for this variant (Variation ID: 1774348). Advanced modeling of protein sequence and biophysical properties (such as structural, functional, and spatial information, amino acid conservation, physicochemical variation, residue mobility, and thermodynamic stability) performed at Invitae indicates that this missense variant is expected to disrupt ENG protein function with a positive predictive value of 95%. For these reasons, this variant has been classified as Pathogenic.

Ambry Genetics
Classification: Likely pathogenic for Cardiovascular phenotype. Last evaluated: 2020-08-12. Review status: criteria provided, single submitter. Criteria: Ambry Variant Classification Scheme 2023. Collection method: clinical testing. Allele origin: germline.
Comment: The p.L506P variant (also known as c.1517T>C), located in coding exon 12 of the ENG gene, results from a T to C substitution at nucleotide position 1517. The leucine at codon 506 is replaced by proline, an amino acid with similar properties. It was also identified in multiple individuals in a family with HHT; the affected mother and three of her children had pulmonary arteriovenous malformations and epistaxis (Yokoo K et al. Respir Med Case Rep, 2018 Jul;25:73-77; personal communication with Dr. Yokoo). In addition to the clinical data presented in the literature, this alteration is predicted to be deleterious by in silico analysis. This amino acid position is highly conserved in available vertebrate species. Based on internal structural analysis, this variant is anticipated to result in a significant decrease in structural stability (Saito T et al. Cell Rep, 2017 05;19:1917-1928). This variant was also not reported in population-based cohorts in the Genome Aggregation Database (gnomAD) (Lek M et al. Nature, 2016 08;536:285-91). Based on the majority of available evidence to date, this variant is likely to be pathogenic.

Literature cited by the submitters: PubMed 30073140 (cited by 3 submitters); PubMed 24196379 (cited by Impact Genetics, Dynacare/LabCorp and Ambry Genetics); PubMed 28564608 (cited by Ambry Genetics).